The following is an entry in ClinVar:

NM_001605.3(AARS1):c.2665C>T (p.Leu889Phe)

Gene: AARS1 (alanyl-tRNA synthetase 1; minus strand). Cytogenetic location: 16q22.1.
Variant type: single nucleotide variant.
Coding change: c.2665C>T on transcript NM_001605.3 (MANE Select); coding-DNA position 2665, C replaced by T.
Protein change: p.Leu889Phe; replaces leucine 889 with phenylalanine.
Molecular consequence: missense variant.
Genome position (GRCh38, 1-based): chr16:70,253,324, G>A on the plus strand (C>T on the coding strand, the complement: AARS1 is on the minus strand). VCF-style: chr16-70253324-G-A. GRCh37 (hg19) VCF-style: chr16-70287227-G-A.
Other names: short protein forms L889F.
Identifiers: ClinVar variation 1000535 (VCV001000535.32), dbSNP rs751242154, ClinGen allele CA8140313.

ClinVar aggregate classification (germline): Uncertain significance. Review status: criteria provided, multiple submitters, no conflicts (2 of 4 stars). 2 submissions from 2 submitters: Uncertain significance (2). Last evaluated 2023-09-01.

Conditions:
Charcot-Marie-Tooth disease type 2. Also called: Charcot-Marie-Tooth type 2. Identifiers: Orphanet 64746, MedGen C0270914, MONDO:0018993.

Allele frequency attached by ClinVar (database versions not stated): gnomAD exomes below 0.00001 and 0.00001; ExAC 0.00001.
gnomAD v4.1: 2 of 1,614,220 alleles (0.00012%); highest among the groups gnomAD compares: Non-Finnish European, 0.00017%; no homozygotes.

Submissions (2):

CeGaT Center for Human Genetics Tuebingen
Classification: Uncertain significance. Last evaluated: 2023-09-01. Review status: criteria provided, single submitter. Criteria: CeGaT Center For Human Genetics Tuebingen Variant Classification Criteria Version 2. Collection method: clinical testing. Allele origin: germline. Affected: yes. Observed: 1 variant allele.

Labcorp Genetics (formerly Invitae), Labcorp
Classification: Uncertain significance for Charcot-Marie-Tooth disease type 2. Last evaluated: 2020-07-22. Review status: criteria provided, single submitter. Criteria: Invitae Variant Classification Sherloc (09022015). Collection method: clinical testing. Allele origin: germline.
Comment: In summary, the available evidence is currently insufficient to determine the role of this variant in disease. Therefore, it has been classified as a Variant of Uncertain Significance. Algorithms developed to predict the effect of missense changes on protein structure and function are either unavailable or do not agree on the potential impact of this missense change (SIFT: "Tolerated"; PolyPhen-2: "Probably Damaging"; Align-GVGD: "Class C0"). This variant has not been reported in the literature in individuals with AARS-related conditions. This variant is present in population databases (rs751242154, ExAC 0.002%). This sequence change replaces leucine with phenylalanine at codon 889 of the AARS protein (p.Leu889Phe). The leucine residue is moderately conserved and there is a small physicochemical difference between leucine and phenylalanine.